The following is an entry in ClinVar:

ClinVar aggregate classification (germline): Uncertain significance. Review status: criteria provided, multiple submitters, no conflicts (2 of 4 stars). 3 submissions from 3 submitters: Uncertain significance (3). Last evaluated 2025-06-26.

Conditions:
Cardiovascular phenotype. Identifiers: MedGen CN230736.
Cardiomyopathy (CMYO). Also called: Cardiomyopathies. Identifiers: Orphanet 167848, MedGen C0878544, MONDO:0004994, HP:0001638. Inheritance: Various modes of inheritance.
Arrhythmogenic right ventricular dysplasia 8 (ARVD8). Also called: Arrhythmogenic Right Ventricular Dysplasia/Cardiomyopathy 8; ARRHYTHMOGENIC RIGHT VENTRICULAR DYSPLASIA, FAMILIAL, 8; ARRHYTHMOGENIC RIGHT VENTRICULAR CARDIOMYOPATHY 8. Identifiers: MedGen C1843896, MONDO:0011831, OMIM 607450.
Arrhythmogenic cardiomyopathy with wooly hair and keratoderma. Also called: Dilated cardiomyopathy with woolly hair and keratoderma; Carvajal syndrome; Arrhythmogenic cardiomyopathy with woolly hair and keratoderma; PALMOPLANTAR KERATODERMA WITH LEFT VENTRICULAR CARDIOMYOPATHY AND WOOLLY HAIR. Identifiers: Orphanet 65282, MedGen C1854063, MONDO:0011581, OMIM 605676.

Allele frequency attached by ClinVar (database versions not stated): gnomAD exomes below 0.00001.
gnomAD v4.1: 1 of 1,614,160 alleles (0.000062%); highest among the groups gnomAD compares: Non-Finnish European, 0.000085%; no homozygotes.

Submissions (3):

Color Diagnostics, LLC DBA Color Health
Classification: Uncertain significance for Cardiomyopathy. Last evaluated: 2025-06-26. Review status: criteria provided, single submitter. Criteria: ACMG Guidelines, 2015. Collection method: clinical testing. Allele origin: germline.
Comment: This missense variant replaces proline with arginine at codon 979 of the DSP protein. Computational prediction suggests that this variant may have deleterious impact on protein structure and function. To our knowledge, functional studies have not been reported for this variant. This variant has been reported in an individual suspected to be affected with cardiomyopathy or arrhythmia (PMID: 35947370). This variant has not been identified in the general population by the Genome Aggregation Database (gnomAD). The available evidence is insufficient to determine the role of this variant in disease conclusively. Therefore, this variant is classified as a Variant of Uncertain Significance.

Ambry Genetics
Classification: Uncertain significance for Cardiovascular phenotype. Last evaluated: 2023-01-28. Review status: criteria provided, single submitter. Criteria: Ambry Variant Classification Scheme 2023. Collection method: clinical testing. Allele origin: germline.
Comment: The p.P979R variant (also known as c.2936C>G), located in coding exon 21 of the DSP gene, results from a C to G substitution at nucleotide position 2936. The proline at codon 979 is replaced by arginine, an amino acid with dissimilar properties. This amino acid position is conserved. In addition, this alteration is predicted to be deleterious by in silico analysis. Since supporting evidence is limited at this time, the clinical significance of this alteration remains unclear.

Labcorp Genetics (formerly Invitae), Labcorp
Classification: Uncertain significance for Arrhythmogenic cardiomyopathy with wooly hair and keratoderma; Arrhythmogenic right ventricular dysplasia 8. Last evaluated: 2022-09-12. Review status: criteria provided, single submitter. Criteria: Invitae Variant Classification Sherloc (09022015). Collection method: clinical testing. Allele origin: germline.
Comment: This sequence change replaces proline, which is neutral and non-polar, with arginine, which is basic and polar, at codon 979 of the DSP protein (p.Pro979Arg). This variant is not present in population databases (gnomAD no frequency). This variant has not been reported in the literature in individuals affected with DSP-related conditions. ClinVar contains an entry for this variant (Variation ID: 1002594). Algorithms developed to predict the effect of missense changes on protein structure and function (SIFT, PolyPhen-2, Align-GVGD) all suggest that this variant is likely to be disruptive. In summary, the available evidence is currently insufficient to determine the role of this variant in disease. Therefore, it has been classified as a Variant of Uncertain Significance.

Literature cited by the submitters: PubMed 35947370 (cited by Color Diagnostics, LLC DBA Color Health).

NM_004415.4(DSP):c.2936C>G (p.Pro979Arg)

Gene: DSP (desmoplakin; plus strand). Cytogenetic location: 6p24.3.
Variant type: single nucleotide variant.
Coding change: c.2936C>G on transcript NM_004415.4 (MANE Select); coding-DNA position 2936, C replaced by G.
Protein change: p.Pro979Arg; replaces proline 979 with arginine.
Molecular consequence: missense variant.
Genome position (GRCh38, 1-based): chr6:7,577,837, C>G. VCF-style: chr6-7577837-C-G. GRCh37 (hg19) VCF-style: chr6-7578070-C-G.
Other names: c.2936C>G, p.Pro979Arg (NM_001008844.3, NM_001319034.2); c.2936C>G (NM_004415.2); short protein forms P979R.
Identifiers: ClinVar variation 1002594 (VCV001002594.8), dbSNP rs1759288530, ClinGen allele CA362682476.